The following is an entry in ClinVar:

NM_000059.4(BRCA2):c.1071del (p.Val358fs)

Gene: BRCA2 (BRCA2 DNA repair associated; plus strand). Cytogenetic location: 13q13.1.
Variant type: Deletion.
Coding change: c.1071del on transcript NM_000059.4 (MANE Select); coding-DNA position 1071, one base deleted (A; older notation c.1071delA).
Protein change: p.Val358fs; shifts the reading frame from valine 358.
Molecular consequence: frameshift variant. On other transcripts: non-coding transcript variant (1), intron variant (1).
Genome position (GRCh38, 1-based): chr13:32,332,549, A deleted; the last of 2 consecutive A bases (chr13:32,332,548-32,332,549); deleting either gives the same sequence. VCF-style (leftmost placement, unchanged base first): chr13-32332547-GA-G. GRCh37 (hg19) VCF-style: chr13-32906684-GA-G.
Other names: c.1071del, p.Val358fs (NM_001406719.1, NM_001406720.1, NM_001406721.1 and 1 more transcripts); c.424+1519del (NM_001406722.1); short protein forms V358fs.
Identifiers: ClinVar variation 4824523 (VCV004824523.1).
Genomic context (GRCh38, chr13:32,332,547, plus strand): 5'-AACGCTGATGAATGTGAAAAATCTAAAAACCAAGTGAAAGAAAAATACTCATTTGTATCT[GA>G]AGTGGAACCAAATGATACTGATCCATTAGATTCAAATGTAGCAAATCAGAAGCCCTTTGA-3'

ClinVar aggregate classification (germline): Pathogenic (1 of 4 stars; one submission).

Conditions:
Hereditary cancer-predisposing syndrome. Also called: Neoplastic Syndromes, Hereditary; Hereditary neoplastic syndrome; Tumor predisposition; Hereditary Cancer Syndrome. Identifiers: Orphanet 140162, MedGen C0027672, MeSH D009386, MONDO:0015356.

Submission:

Ambry Genetics
Classification: Pathogenic for Hereditary cancer-predisposing syndrome. Last evaluated: 2026-01-30. Review status: criteria provided, single submitter. Criteria: Ambry Variant Classification Scheme 2023. Collection method: clinical testing. Allele origin: germline.
Comment: The c.1071delA pathogenic mutation, located in coding exon 9 of the BRCA2 gene, results from a deletion of one nucleotide at nucleotide position 1071, causing a translational frameshift with a predicted alternate stop codon (p.V358Wfs*9). This variant is considered to be rare based on population cohorts in the Genome Aggregation Database (gnomAD). This alteration is expected to result in loss of function by premature protein truncation or nonsense-mediated mRNA decay. As such, this alteration is interpreted as a disease-causing mutation.